The following is an entry in ClinVar:

ClinVar aggregate classification (germline): Uncertain significance. Review status: criteria provided, multiple submitters, no conflicts (2 of 4 stars). 2 submissions from 2 submitters: Uncertain significance (2). Last evaluated 2025-01-21.

Submissions (2):

Ambry Genetics
Classification: Uncertain significance. Last evaluated: 2025-01-21. Review status: criteria provided, single submitter. Criteria: Ambry Variant Classification Scheme 2023. Collection method: clinical testing. Allele origin: germline.

Labcorp Genetics (formerly Invitae), Labcorp
Classification: Uncertain significance. Last evaluated: 2024-03-25. Review status: criteria provided, single submitter. Criteria: Invitae Variant Classification Sherloc (09022015). Collection method: clinical testing. Allele origin: germline.
Comment: This sequence change replaces asparagine, which is neutral and polar, with serine, which is neutral and polar, at codon 174 of the SSR3 protein (p.Asn174Ser). This variant is present in population databases (rs201135546, gnomAD 0.01%). This variant has not been reported in the literature in individuals affected with SSR3-related conditions. An algorithm developed to predict the effect of missense changes on protein structure and function (PolyPhen-2) suggests that this variant is likely to be tolerated. In summary, the available evidence is currently insufficient to determine the role of this variant in disease. Therefore, it has been classified as a Variant of Uncertain Significance.

NM_007107.5(SSR3):c.482A>G (p.Asn161Ser)

Gene: SSR3 (signal sequence receptor subunit 3; minus strand). Cytogenetic location: 3q25.31.
Variant type: single nucleotide variant.
Coding change: c.482A>G on transcript NM_007107.5 (MANE Select); coding-DNA position 482, A replaced by G.
Protein change: p.Asn161Ser; replaces asparagine 161 with serine.
Molecular consequence: missense variant.
Genome position (GRCh38, 1-based): chr3:156,544,317, T>C on the plus strand (A>G on the coding strand, the complement: SSR3 is on the minus strand). VCF-style: chr3-156544317-T-C. GRCh37 (hg19) VCF-style: chr3-156262106-T-C.
Other names: c.521A>G, p.Asn174Ser (NM_001308197.2); c.326A>G, p.Asn109Ser (NM_001308204.2, NM_001308205.2); c.482A>G (NM_007107.3); short protein forms N161S, N174S, N109S.
Identifiers: ClinVar variation 3730121 (VCV003730121.3).
Genomic context (GRCh38, chr3:156,544,317, plus strand): 5'-AACTACTGTTTCTTGACTTCTAAAAAAGATAATCAACCTTGAAAAGGATACACTGTGGGG[T>C]TGAAGTTCTTCAATATGAAGAAGGAAGCAACAATGACCACGACCAGGAACAGAGTGTTGT-3'
Protein context (NP_009038.1, residues 151-171): VASFFILKNF[Asn161Ser]PTVNYILSIS